The following is an entry in ClinVar:

ClinVar aggregate classification (germline): Likely benign (0 of 4 stars; one submission).

Conditions:
ZFHX4-related disorder. Also called: ZFHX4-related condition.

Allele frequency attached by ClinVar (database versions not stated): gnomAD 0.00001; TOPMed 0.00001.
gnomAD v4.1: 8 of 1,588,858 alleles (0.0005%); highest among the groups gnomAD compares: African/African-American, 0.0027%; no homozygotes.

Submission:

PreventionGenetics, part of Exact Sciences
Classification: Likely benign for ZFHX4-related condition. Last evaluated: 2019-03-08. Review status: no assertion criteria provided. Collection method: clinical testing. Allele origin: germline.
Comment: This variant is classified as likely benign based on ACMG/AMP sequence variant interpretation guidelines (Richards et al. 2015 PMID: 25741868, with internal and published modifications).

NM_024721.5(ZFHX4):c.10200G>A (p.Lys3400=)

Gene: ZFHX4 (zinc finger homeobox 4; plus strand). Cytogenetic location: 8q21.13.
Variant type: single nucleotide variant.
Coding change: c.10200G>A on transcript NM_024721.5 (MANE Select); coding-DNA position 10200, G replaced by A.
Protein change: p.Lys3400=; no amino-acid change (lysine 3400 retained).
Molecular consequence: synonymous variant.
Genome position (GRCh38, 1-based): chr8:76,863,914, G>A. VCF-style: chr8-76863914-G-A. GRCh37 (hg19) VCF-style: chr8-77776150-G-A.
Other names: c.10122G>A, p.Lys3374= (NM_001410934.1).
Identifiers: ClinVar variation 3058384 (VCV003058384.2), dbSNP rs1164496766, ClinGen allele CA461771088.
Genomic context (GRCh38, chr8:76,863,914, plus strand): 5'-ACCCCAGTTAGAATCCAAAAGTGCAGACTTTTCAGACACTTACGTTGTTCCATTCGTCAA[G>A]TATGAGTTTATATGCAGAAAGTGCCAGATGATGTTTACTGATGAAGACGCCGCAGTAAAT-3'
Protein context (NP_078997.4, residues 3390-3410): FSDTYVVPFV[Lys3400=]YEFICRKCQM